The following is an entry in ClinVar:

ClinVar aggregate classification (germline): Uncertain significance (1 of 4 stars; one submission).

Conditions:
Hereditary cancer-predisposing syndrome. Also called: Tumor predisposition; Hereditary Cancer Syndrome; Neoplastic Syndromes, Hereditary; Hereditary neoplastic syndrome. Identifiers: Orphanet 140162, MedGen C0027672, MeSH D009386, MONDO:0015356.

Allele frequency attached by ClinVar (database versions not stated): gnomAD exomes below 0.00001.
gnomAD v4.1: 1 of 1,614,094 alleles (0.000062%); highest among the groups gnomAD compares: African/African-American, 0.0013%; no homozygotes.

Submission:

Ambry Genetics
Classification: Uncertain significance for Hereditary cancer-predisposing syndrome. Last evaluated: 2018-12-05. Review status: criteria provided, single submitter. Criteria: Ambry Variant Classification Scheme 2023. Collection method: clinical testing. Allele origin: germline.
Comment: The p.N306K variant (also known as c.918T>G), located in coding exon 4 of the PALB2 gene, results from a T to G substitution at nucleotide position 918. The asparagine at codon 306 is replaced by lysine, an amino acid with similar properties. This amino acid position is not well conserved in available vertebrate species. In addition, this alteration is predicted to be tolerated by in silico analysis. Since supporting evidence is limited at this time, the clinical significance of this alteration remains unclear.

NM_024675.4(PALB2):c.918T>G (p.Asn306Lys)

Gene: PALB2 (partner and localizer of BRCA2; minus strand). Cytogenetic location: 16p12.2.
Variant type: single nucleotide variant.
Coding change: c.918T>G on transcript NM_024675.4 (MANE Select); coding-DNA position 918, T replaced by G.
Protein change: p.Asn306Lys; replaces asparagine 306 with lysine.
Molecular consequence: missense variant.
Genome position (GRCh38, 1-based): chr16:23,635,628, A>C on the plus strand (T>G on the coding strand, the complement: PALB2 is on the minus strand). VCF-style: chr16-23635628-A-C. GRCh37 (hg19) VCF-style: chr16-23646949-A-C.
Other names: short protein forms N306K.
Identifiers: ClinVar variation 823085 (VCV000823085.4), dbSNP rs114428350, ClinGen allele CA395135372.
Genomic context (GRCh38, chr16:23,635,628, plus strand): 5'-TGAAATATTTGCCTCTAAATTAGAACTTGTGGGCAGTTGGCCACTTTTACTTATAGCTTT[A>C]TTTACAAGGAGGTTATCTGTAGAGACAGTCATTTTTTTGCCTTGTGCCTCCAAACTTACA-3'
Protein context (NP_078951.2, residues 296-316): MTVSTDNLLV[Asn306Lys]KAISKSGQLP